The following is an entry in ClinVar:

NM_004655.4(AXIN2):c.1960G>A (p.Gly654Ser)

Gene: AXIN2 (axin 2; minus strand). Cytogenetic location: 17q24.1.
Variant type: single nucleotide variant.
Coding change: c.1960G>A on transcript NM_004655.4 (MANE Select); coding-DNA position 1960, G replaced by A.
Protein change: p.Gly654Ser; replaces glycine 654 with serine.
Molecular consequence: missense variant.
Genome position (GRCh38, 1-based): chr17:65,536,501, C>T on the plus strand (G>A on the coding strand, the complement: AXIN2 is on the minus strand). VCF-style: chr17-65536501-C-T. GRCh37 (hg19) VCF-style: chr17-63532619-C-T.
Other names: c.1765G>A, p.Gly589Ser (NM_001363813.1); short protein forms G654S, G589S.
Identifiers: ClinVar variation 2746814 (VCV002746814.6), dbSNP rs2043920528, ClinGen allele CA400676256.

ClinVar aggregate classification (germline): Conflicting classifications of pathogenicity. Review status: criteria provided, conflicting classifications (1 of 4 stars). 3 submissions from 3 submitters: Uncertain significance (2); Likely benign (1). Last evaluated 2025-06-25.

Conditions:
Hereditary cancer-predisposing syndrome. Also called: Hereditary Cancer Syndrome; Neoplastic Syndromes, Hereditary; Tumor predisposition; Hereditary neoplastic syndrome. Identifiers: Orphanet 140162, MedGen C0027672, MeSH D009386, MONDO:0015356.
Colorectal cancer. Also called: Colorectal cancer, somatic; Malignant Colorectal Neoplasm. Identifiers: MedGen C0346629, MONDO:0005575, OMIM 114500.
Oligodontia-cancer predisposition syndrome. Also called: TOOTH AGENESIS-COLORECTAL CANCER SYNDROME. Identifiers: Orphanet 300576, MedGen C1837750, MONDO:0012075, OMIM 608615. Disease mechanism: loss of function.

Submissions (3):

Ambry Genetics
Classification: Likely benign for Hereditary cancer-predisposing syndrome. Last evaluated: 2025-06-25. Review status: criteria provided, single submitter. Criteria: Ambry Variant Classification Scheme 2023. Collection method: clinical testing. Allele origin: germline.

Baylor Genetics
Classification: Uncertain significance for Colorectal cancer. Last evaluated: 2024-01-04. Review status: criteria provided, single submitter. Criteria: ACMG Guidelines, 2015. Collection method: clinical testing. Allele origin: unknown.

Labcorp Genetics (formerly Invitae), Labcorp
Classification: Uncertain significance for Oligodontia-cancer predisposition syndrome. Last evaluated: 2023-07-25. Review status: criteria provided, single submitter. Criteria: Invitae Variant Classification Sherloc (09022015). Collection method: clinical testing. Allele origin: germline.
Comment: In summary, the available evidence is currently insufficient to determine the role of this variant in disease. Therefore, it has been classified as a Variant of Uncertain Significance. Algorithms developed to predict the effect of missense changes on protein structure and function output the following: SIFT: "Not Available"; PolyPhen-2: "Benign"; Align-GVGD: "Not Available". The serine amino acid residue is found in multiple mammalian species, which suggests that this missense change does not adversely affect protein function. This variant has not been reported in the literature in individuals affected with AXIN2-related conditions. This variant is not present in population databases (gnomAD no frequency). This sequence change replaces glycine, which is neutral and non-polar, with serine, which is neutral and polar, at codon 654 of the AXIN2 protein (p.Gly654Ser).